The following is an entry in ClinVar:

NM_001364905.1(LRBA):c.5924G>A (p.Arg1975His)

Gene: LRBA (LPS responsive beige-like anchor protein; minus strand). Cytogenetic location: 4q31.3.
Variant type: single nucleotide variant.
Coding change: c.5924G>A on transcript NM_001364905.1 (MANE Select); coding-DNA position 5924, G replaced by A.
Protein change: p.Arg1975His; replaces arginine 1975 with histidine.
Molecular consequence: missense variant.
Genome position (GRCh38, 1-based): chr4:150,599,129, C>T on the plus strand (G>A on the coding strand, the complement: LRBA is on the minus strand). VCF-style: chr4-150599129-C-T. GRCh37 (hg19) VCF-style: chr4-151520281-C-T.
Other names: c.5924G>A, p.Arg1975His (NM_001199282.3, NM_001367550.1, NM_006726.5); short protein forms R1975H.
Identifiers: ClinVar variation 933404 (VCV000933404.7), dbSNP rs749149796, ClinGen allele CA3102297.
Genomic context (GRCh38, chr4:150,599,129, plus strand): 5'-AATCGTCGCCGGCGCCGCAAGTCATCTTCCCAGTAGTCAAGGCGCCAGAACTCAAGAGGA[C>T]GACTACAATGAAACAGAGAAGCCACATATGTTAGCAATTATCAAACAGCGTGGTAGCACT-3'
Protein context (NP_001351834.1, residues 1965-1985): HGAWGNSAVS[Arg1975His]PLEFWRLDYW

ClinVar aggregate classification (germline): Uncertain significance (1 of 4 stars; one submission).

Conditions:
Combined immunodeficiency due to LRBA deficiency. Also called: Common variable immunodeficiency 8, with autoimmunity. Identifiers: Orphanet 445018, MedGen C3553512, MONDO:0013863, OMIM 614700.

Allele frequency attached by ClinVar (database versions not stated): gnomAD 0.00001; TOPMed 0.00001; ExAC 0.00002; gnomAD exomes 0.00002.
gnomAD v4.1: 25 of 1,613,760 alleles (0.0015%); highest among the groups gnomAD compares: South Asian, 0.011%; no homozygotes.

Submission:

Labcorp Genetics (formerly Invitae), Labcorp
Classification: Uncertain significance for Combined immunodeficiency due to LRBA deficiency. Last evaluated: 2021-09-02. Review status: criteria provided, single submitter. Criteria: Invitae Variant Classification Sherloc (09022015). Collection method: clinical testing. Allele origin: germline.
Comment: This sequence change replaces arginine with histidine at codon 1975 of the LRBA protein (p.Arg1975His). The arginine residue is weakly conserved and there is a small physicochemical difference between arginine and histidine. This variant is present in population databases (rs749149796, ExAC 0.02%). This variant has not been reported in the literature in individuals affected with LRBA-related conditions. Algorithms developed to predict the effect of missense changes on protein structure and function are either unavailable or do not agree on the potential impact of this missense change (SIFT: "Deleterious"; PolyPhen-2: "Probably Damaging"; Align-GVGD: "Class C0"). In summary, the available evidence is currently insufficient to determine the role of this variant in disease. Therefore, it has been classified as a Variant of Uncertain Significance.